The following is an entry in ClinVar:

NM_017534.6(MYH2):c.4243G>A (p.Ala1415Thr)

Genes: MYH2 (myosin heavy chain 2; minus strand), MYHAS (myosin heavy chain gene cluster antisense RNA; plus strand). Cytogenetic location: 17p13.1.
Variant type: single nucleotide variant.
Coding change: c.4243G>A on transcript NM_017534.6 (MANE Select); coding-DNA position 4243, G replaced by A.
Protein change: p.Ala1415Thr; replaces alanine 1415 with threonine.
Molecular consequence: missense variant.
Genome position (GRCh38, 1-based): chr17:10,525,821, C>T on the plus strand (G>A on the coding strand, the complement: MYH2 is on the minus strand). VCF-style: chr17-10525821-C-T. GRCh37 (hg19) VCF-style: chr17-10429138-C-T.
Other names: c.4243G>A, p.Ala1415Thr (NM_001100112.2); short protein forms A1415T.
Identifiers: ClinVar variation 960770 (VCV000960770.8), dbSNP rs755848527, ClinGen allele CA8390683.
Genomic context (GRCh38, chr17:10,525,821, plus strand): 5'-TGAGGTCCTCGACCTCATTCTGCAGCCGCTGCTTCGTCTTTTCGAGGGAAGCACATTTGG[C>T]GTTCACAGCTTCTACATGTTCCTCAGCTGCCTGCAGCCGCTGGGCCAGCTTCTTCCTTGA-3'
Protein context (NP_060004.3, residues 1405-1425): AAEEHVEAVN[Ala1415Thr]KCASLEKTKQ

ClinVar aggregate classification (germline): Uncertain significance. Review status: criteria provided, multiple submitters, no conflicts (2 of 4 stars). 2 submissions from 2 submitters: Uncertain significance (2). Last evaluated 2026-05-21.

Conditions:
Myopathy, proximal, and ophthalmoplegia (CMYO6). Also called: MYOPATHY WITH CONGENITAL JOINT CONTRACTURES, OPHTHALMOPLEGIA, AND RIMMED VACUOLES; INCLUSION BODY MYOPATHY 3, AUTOSOMAL DOMINANT; CONGENITAL MYOPATHY 6 WITH OPHTHALMOPLEGIA. Identifiers: Orphanet 363677, Orphanet 79091, MedGen C1854106, MONDO:0011577, OMIM 605637.

Allele frequency attached by ClinVar (database versions not stated): ExAC 0.00001; TOPMed 0.00002; gnomAD 0.00001; gnomAD exomes 0.00002 and 0.00001.

Submissions (2):

GeneDx
Classification: Uncertain significance. Last evaluated: 2026-05-21. Review status: criteria provided, single submitter. Criteria: GeneDx Variant Classification Process June 2021. Collection method: clinical testing. Allele origin: germline.
Comment: Not observed at significant frequency in large population cohorts (gnomAD); In silico analysis suggests that this missense variant does not alter protein structure/function; Has not been previously published as pathogenic or benign to our knowledge

Labcorp Genetics (formerly Invitae), Labcorp
Classification: Uncertain significance for Myopathy, proximal, and ophthalmoplegia. Last evaluated: 2023-12-23. Review status: criteria provided, single submitter. Criteria: Invitae Variant Classification Sherloc (09022015). Collection method: clinical testing. Allele origin: germline.
Comment: This sequence change replaces alanine, which is neutral and non-polar, with threonine, which is neutral and polar, at codon 1415 of the MYH2 protein (p.Ala1415Thr). This variant is present in population databases (rs755848527, gnomAD 0.009%). This variant has not been reported in the literature in individuals affected with MYH2-related conditions. ClinVar contains an entry for this variant (Variation ID: 960770). Advanced modeling of protein sequence and biophysical properties (such as structural, functional, and spatial information, amino acid conservation, physicochemical variation, residue mobility, and thermodynamic stability) performed at Invitae indicates that this missense variant is not expected to disrupt MYH2 protein function with a negative predictive value of 80%. In summary, the available evidence is currently insufficient to determine the role of this variant in disease. Therefore, it has been classified as a Variant of Uncertain Significance.